The following is an entry in ClinVar:

ClinVar aggregate classification (germline): Uncertain significance (1 of 4 stars; one submission).

Conditions:
3-methylcrotonyl-CoA carboxylase 2 deficiency. Also called: 3 alpha methylcrotonyl-CoA carboxylase 2 deficiency; 3 alpha methylcrotonylglycinuria 2; MCC 2 deficiency; Methylcrotonylglycinuria type 2; METHYLCROTONYLGLYCINURIA, TYPE II. Identifiers: Orphanet 6, MedGen C1859499, MONDO:0008862, OMIM 210210.

Submission:

Labcorp Genetics (formerly Invitae), Labcorp
Classification: Uncertain significance for 3-methylcrotonyl-CoA carboxylase 2 deficiency. Last evaluated: 2023-12-12. Review status: criteria provided, single submitter. Criteria: Invitae Variant Classification Sherloc (09022015). Collection method: clinical testing. Allele origin: germline.
Comment: This sequence change replaces glycine, which is neutral and non-polar, with valine, which is neutral and non-polar, at codon 352 of the MCCC2 protein (p.Gly352Val). This variant is not present in population databases (gnomAD no frequency). This variant has not been reported in the literature in individuals affected with MCCC2-related conditions. Advanced modeling of protein sequence and biophysical properties (such as structural, functional, and spatial information, amino acid conservation, physicochemical variation, residue mobility, and thermodynamic stability) performed at Invitae indicates that this missense variant is expected to disrupt MCCC2 protein function with a positive predictive value of 80%. Algorithms developed to predict the effect of sequence changes on RNA splicing suggest that this variant may disrupt the consensus splice site. This variant disrupts the p.Gly352 amino acid residue in MCCC2. Other variant(s) that disrupt this residue have been determined to be pathogenic (PMID: 16010683, 19706617, 25356967). This suggests that this residue is clinically significant, and that variants that disrupt this residue are likely to be disease-causing. In summary, the available evidence is currently insufficient to determine the role of this variant in disease. Therefore, it has been classified as a Variant of Uncertain Significance.

Literature cited by the submitters: PubMed 16010683; PubMed 19706617; PubMed 25356967.

NM_022132.5(MCCC2):c.1055G>T (p.Gly352Val)

Gene: MCCC2 (methylcrotonyl-CoA carboxylase subunit 2; plus strand). Cytogenetic location: 5q13.2.
Variant type: single nucleotide variant.
Coding change: c.1055G>T on transcript NM_022132.5 (MANE Select); coding-DNA position 1055, G replaced by T.
Protein change: p.Gly352Val; replaces glycine 352 with valine.
Molecular consequence: missense variant.
Genome position (GRCh38, 1-based): chr5:71,641,058, G>T. VCF-style: chr5-71641058-G-T. GRCh37 (hg19) VCF-style: chr5-70936885-G-T.
Other names: c.941G>T, p.Gly314Val (NM_001363147.1); short protein forms G314V, G352V.
Identifiers: ClinVar variation 2751246 (VCV002751246.3), dbSNP rs2530841664, ClinGen allele CA359991464.